The following is an entry in ClinVar:

NM_000091.5(COL4A3):c.3679C>G (p.Pro1227Ala)

Genes: COL4A3 (collagen type IV alpha 3 chain; plus strand), MFF-DT (MFF divergent transcript; minus strand). Cytogenetic location: 2q36.3.
Variant type: single nucleotide variant.
Coding change: c.3679C>G on transcript NM_000091.5 (MANE Select); coding-DNA position 3679, C replaced by G.
Protein change: p.Pro1227Ala; replaces proline 1227 with alanine.
Molecular consequence: missense variant.
Genome position (GRCh38, 1-based): chr2:227,297,787, C>G. VCF-style: chr2-227297787-C-G. GRCh37 (hg19) VCF-style: chr2-228162503-C-G.
Other names: short protein forms P1227A.
Identifiers: ClinVar variation 1981620 (VCV001981620.1), dbSNP rs1473607802, ClinGen allele CA350860265.
Genomic context (GRCh38, chr2:227,297,787, plus strand): 5'-GGGGCCATGGGAGATGCTGGACCTCGAGGACCCACAGGCATAGAAGGATTCCCAGGGCCA[C>G]CAGGTCTGCCCGGTGCAATTATCCCTGGCCAGACAGGAAATCGTGGTCCACCAGGCTCAA-3'
Protein context (NP_000082.2, residues 1217-1237): PTGIEGFPGP[Pro1227Ala]GLPGAIIPGQ

ClinVar aggregate classification (germline): Uncertain significance (1 of 4 stars; one submission).

Allele frequency attached by ClinVar (database versions not stated): gnomAD exomes below 0.00001.
gnomAD v4.1: 10 of 1,579,296 alleles (0.00063%); highest among the groups gnomAD compares: African/African-American, 0.0013%; no homozygotes.

Submission:

Labcorp Genetics (formerly Invitae), Labcorp
Classification: Uncertain significance. Last evaluated: 2022-06-19. Review status: criteria provided, single submitter. Criteria: Invitae Variant Classification Sherloc (09022015). Collection method: clinical testing. Allele origin: germline.
Comment: This sequence change replaces proline, which is neutral and non-polar, with alanine, which is neutral and non-polar, at codon 1227 of the COL4A3 protein (p.Pro1227Ala). This variant is not present in population databases (gnomAD no frequency). This variant has not been reported in the literature in individuals affected with COL4A3-related conditions. Advanced modeling of protein sequence and biophysical properties (such as structural, functional, and spatial information, amino acid conservation, physicochemical variation, residue mobility, and thermodynamic stability) performed at Invitae indicates that this missense variant is not expected to disrupt COL4A3 protein function. In summary, the available evidence is currently insufficient to determine the role of this variant in disease. Therefore, it has been classified as a Variant of Uncertain Significance.